The following is an entry in ClinVar:

NM_000051.4(ATM):c.79G>T (p.Val27Phe)

Gene: ATM (ATM serine/threonine kinase; plus strand). Cytogenetic location: 11q22.3.
Variant type: single nucleotide variant.
Coding change: c.79G>T on transcript NM_000051.4 (MANE Select); coding-DNA position 79, G replaced by T.
Protein change: p.Val27Phe; replaces valine 27 with phenylalanine.
Molecular consequence: missense variant.
Genome position (GRCh38, 1-based): chr11:108,227,782, G>T. VCF-style: chr11-108227782-G-T. GRCh37 (hg19) VCF-style: chr11-108098509-G-T.
Other names: c.79G>T, p.Val27Phe (NM_001351834.2, NM_001351835.2, NM_001351836.2); short protein forms V27F.
Identifiers: ClinVar variation 827379 (VCV000827379.6), dbSNP rs754770960, ClinGen allele CA382519501.

ClinVar aggregate classification (germline): Uncertain significance. Review status: criteria provided, multiple submitters, no conflicts (2 of 4 stars). 3 submissions from 3 submitters: Uncertain significance (2). 1 of the submissions does not count toward it. Last evaluated 2022-09-01.

Conditions:
Hereditary cancer-predisposing syndrome. Also called: Neoplastic Syndromes, Hereditary; Hereditary Cancer Syndrome; Hereditary neoplastic syndrome; Tumor predisposition. Identifiers: Orphanet 140162, MedGen C0027672, MeSH D009386, MONDO:0015356.
Ataxia-telangiectasia syndrome (AT). Also called: ATAXIA-TELANGIECTASIA, COMPLEMENTATION GROUP A; ATAXIA-TELANGIECTASIA, FRESNO VARIANT; Ataxia-telangiectasia, complementation group E; Ataxia telangiectasia (A-T); LOUIS-BAR SYNDROME; Cerebello-oculocutaneous telangiectasia. Identifiers: Orphanet 100, MedGen C0004135, MONDO:0008840, OMIM 208900.

Submissions (3):

Women's Health and Genetics/Laboratory Corporation of America, LabCorp
Classification: Uncertain significance. Last evaluated: 2022-09-01. Review status: criteria provided, single submitter. Criteria: LabCorp Variant Classification Summary - May 2015. Collection method: clinical testing. Allele origin: germline.

Ambry Genetics
Classification: Uncertain significance for Hereditary cancer-predisposing syndrome. Last evaluated: 2018-02-20. Review status: criteria provided, single submitter. Criteria: Ambry Variant Classification Scheme 2023. Collection method: clinical testing. Allele origin: germline.
Comment: The p.V27F variant (also known as c.79G>T), located in coding exon 2 of the ATM gene, results from a G to T substitution at nucleotide position 79. The valine at codon 27 is replaced by phenylalanine, an amino acid with highly similar properties. This amino acid position is not well conserved in available vertebrate species. In addition, this alteration is predicted to be tolerated by in silico analysis. Since supporting evidence is limited at this time, the clinical significance of this alteration remains unclear.

Natera, Inc.
Classification: Uncertain significance for Ataxia-telangiectasia. Last evaluated: 2020-08-12. Review status: no assertion criteria provided. Collection method: clinical testing. Allele origin: germline. Not counted in ClinVar's aggregate classification.